The following is an entry in ClinVar:

ClinVar aggregate classification (germline): Uncertain significance. Review status: criteria provided, multiple submitters, no conflicts (2 of 4 stars). 3 submissions from 3 submitters: Uncertain significance (2). 1 of the submissions does not count toward it. Last evaluated 2025-09-01.

Conditions:
FLNB-related disorder. Also called: FLNB-related disorders; FLNB-related condition. Identifiers: MedGen CN381095.

Allele frequency attached by ClinVar (database versions not stated): gnomAD 0.00001; gnomAD exomes 0.00002 and 0.00003; ExAC 0.00005.
gnomAD v4.1: 25 of 1,405,418 alleles (0.0018%); highest among the groups gnomAD compares: East Asian, 0.0046%; no homozygotes.

Submissions (3):

Labcorp Genetics (formerly Invitae), Labcorp
Classification: Uncertain significance. Last evaluated: 2025-09-01. Review status: criteria provided, single submitter. Criteria: Invitae Variant Classification Sherloc (09022015). Collection method: clinical testing. Allele origin: germline.
Comment: This sequence change falls in intron 21 of the FLNB gene. It does not directly change the encoded amino acid sequence of the FLNB protein. It affects a nucleotide within the consensus splice site. This variant is present in population databases (rs761289257, gnomAD 0.01%). This variant has not been reported in the literature in individuals affected with FLNB-related conditions. ClinVar contains an entry for this variant (Variation ID: 1363287). Variants that disrupt the consensus splice site are a relatively common cause of aberrant splicing (PMID: 17576681, 9536098). Algorithms developed to predict the effect of sequence changes on RNA splicing suggest that this variant may disrupt the consensus splice site. In summary, the available evidence is currently insufficient to determine the role of this variant in disease. Therefore, it has been classified as a Variant of Uncertain Significance.

GeneDx
Classification: Uncertain significance. Last evaluated: 2024-05-03. Review status: criteria provided, single submitter. Criteria: GeneDx Variant Classification Process June 2021. Collection method: clinical testing. Allele origin: germline. Affected: yes.
Comment: In silico analysis indicates that this variant does not alter splicing; Has not been previously published as pathogenic or benign to our knowledge; In silico analysis is inconclusive as to whether the variant alters gene splicing. In the absence of RNA/functional studies, the actual effect of this sequence change is unknown.

PreventionGenetics, part of Exact Sciences
Classification: Likely benign for FLNB-related condition. Last evaluated: 2024-07-30. Review status: no assertion criteria provided. Collection method: clinical testing. Allele origin: germline. Not counted in ClinVar's aggregate classification.
Comment: This variant is classified as likely benign based on ACMG/AMP sequence variant interpretation guidelines (Richards et al. 2015 PMID: 25741868, with internal and published modifications).

Literature cited by the submitters: PubMed 17576681 (cited by Labcorp Genetics (formerly Invitae), Labcorp); PubMed 9536098 (cited by Labcorp Genetics (formerly Invitae), Labcorp).

NM_001457.4(FLNB):c.3724+5G>A

Gene: FLNB (filamin B; plus strand). Cytogenetic location: 3p14.3.
Variant type: single nucleotide variant.
Coding change: c.3724+5G>A on transcript NM_001457.4 (MANE Select); 5 bases into the intron after coding-DNA position 3724, G replaced by A.
Molecular consequence: intron variant.
Genome position (GRCh38, 1-based): chr3:58,123,695, G>A. VCF-style: chr3-58123695-G-A. GRCh37 (hg19) VCF-style: chr3-58109422-G-A.
Other names: c.3724+5G>A (NM_001164317.2, NM_001164318.2, NM_001164319.2 and 1 more transcripts).
Identifiers: ClinVar variation 1363287 (VCV001363287.8), dbSNP rs761289257, ClinGen allele CA2468489.